The following is an entry in ClinVar:

NM_001205293.3(CACNA1E):c.993C>T (p.Phe331=)

Gene: CACNA1E (calcium voltage-gated channel subunit alpha1 E; plus strand). Cytogenetic location: 1q25.3.
Variant type: single nucleotide variant.
Coding change: c.993C>T on transcript NM_001205293.3 (MANE Select); coding-DNA position 993, C replaced by T.
Protein change: p.Phe331=; no amino-acid change (phenylalanine 331 retained).
Molecular consequence: synonymous variant.
Genome position (GRCh38, 1-based): chr1:181,651,379, C>T. VCF-style: chr1-181651379-C-T. GRCh37 (hg19) VCF-style: chr1-181620515-C-T.
Other names: c.993C>T, p.Phe331= (NM_000721.4, NM_001205294.2).
Identifiers: ClinVar variation 3348246 (VCV003348246.1).

ClinVar aggregate classification (germline): Likely benign (0 of 4 stars; one submission).

Conditions:
CACNA1E-related disorder. Also called: CACNA1E-related condition.

Submission:

PreventionGenetics, part of Exact Sciences
Classification: Likely benign for CACNA1E-related condition. Last evaluated: 2024-04-15. Review status: no assertion criteria provided. Collection method: clinical testing. Allele origin: germline.
Comment: This variant is classified as likely benign based on ACMG/AMP sequence variant interpretation guidelines (Richards et al. 2015 PMID: 25741868, with internal and published modifications).